The following is an entry in ClinVar:

ClinVar aggregate classification (germline): Uncertain significance (1 of 4 stars; one submission).

Conditions:
Joubert syndrome. Also called: CEREBELLOPARENCHYMAL DISORDER IV; JOUBERT-BOLTSHAUSER SYNDROME; Familial aplasia of the vermis. Identifiers: Orphanet 475, MedGen C5979921, MONDO:0018772.

Submission:

Labcorp Genetics (formerly Invitae), Labcorp
Classification: Uncertain significance for Joubert syndrome. Last evaluated: 2019-02-14. Review status: criteria provided, single submitter. Criteria: Invitae Variant Classification Sherloc (09022015). Collection method: clinical testing. Allele origin: germline.
Comment: This variant results in a copy number gain of the genomic region encompassing exons 1-3 of the INPP5E gene. The 5' end of this event is unknown as it extends beyond the assayed region for this gene and therefore may encompass additional genes. The 3' boundary is likely confined to intron 3 of the INPP5E gene. As the precise location of this event is unknown, it may be in tandem or it may be located elsewhere in the genome. This variant has not been reported in the literature in individuals with INPP5E-related conditions. In summary, the available evidence is currently insufficient to determine the role of this variant in disease. Therefore, it has been classified as a Variant of Uncertain Significance.

NC_000009.12:g.(?_136434017)_(136439439_?)dup

Gene: INPP5E (inositol polyphosphate-5-phosphatase E; minus strand). Cytogenetic location: 9q34.3.
Variant type: Duplication.
Identifiers: ClinVar variation 830914 (VCV000830914.1).